The following is an entry in ClinVar:

ClinVar aggregate classification (germline): Uncertain significance (0 of 4 stars; one submission).

Conditions:
Autosomal recessive nonsyndromic hearing loss 2. Also called: DEAFNESS, AUTOSOMAL RECESSIVE 2; NEUROSENSORY NONSYNDROMIC RECESSIVE DEAFNESS 2. Identifiers: Orphanet 90636, MedGen C1838701, MONDO:0010807, OMIM 600060.

Submission:

Wonkam Laboratory, Johns Hopkins University
Classification: Uncertain significance for Autosomal recessive nonsyndromic hearing loss 2. Last evaluated: 2024-01-06. Review status: no assertion criteria provided. Collection method: research. Allele origin: biparental. Inheritance: Autosomal recessive inheritance. Affected: yes. Observed: 3 variant alleles. Clinical features observed: Nonsyndromic profound hearing loss.
Comment: the variant NM_000260.4 c.6042C>G is located in a mutational hot spot and/or critical and well-established functional domain (PM1), Multiple lines of computational evidence support a deleterious effect on the gene or gene product (PP3), Absent from controls (or at extremely low frequency if recessive) in Exome Sequencing Project, 1000 Genomes Project, or Exome Aggregation Consortium (PM2), Cosegregation with disease in multiple affected family members in a gene definitively known to cause the disease (PP1), Patient's phenotype or family history is highly specific for a disease with a single genetic etiology (PP4)

NM_000260.4(MYO7A):c.6042C>G (p.His2014Gln)

Gene: MYO7A (myosin VIIA; plus strand). Cytogenetic location: 11q13.5.
Variant type: single nucleotide variant.
Coding change: c.6042C>G on transcript NM_000260.4 (MANE Select); coding-DNA position 6042, C replaced by G.
Protein change: p.His2014Gln; replaces histidine 2014 with glutamine.
Molecular consequence: missense variant.
Genome position (GRCh38, 1-based): chr11:77,208,794, C>G. VCF-style: chr11-77208794-C-G. GRCh37 (hg19) VCF-style: chr11-76919839-C-G.
Other names: c.5928C>G, p.His1976Gln (NM_001127180.2); c.5895C>G, p.His1965Gln (NM_001369365.1); short protein forms H1965Q, H1976Q, H2014Q.
Identifiers: ClinVar variation 3383954 (VCV003383954.1).
Genomic context (GRCh38, chr11:77,208,794, plus strand): 5'-GAAGAAGCTGTGGACCACCACGGTGCCAGGGAAGGATCCCATGGCCGATTCCATCTTCCA[C>G]TATTACCAGGTGGGCACCTCTGCACTCTAGTTGCCTTCGTGCACAGCTAGCGTTGCTGTA-3'
Protein context (NP_000251.3, residues 2004-2024): GKDPMADSIF[His2014Gln]YYQELPKYLR